The following is an entry in ClinVar:

ClinVar aggregate classification (germline): Likely benign (0 of 4 stars; one submission).

Conditions:
TOP1-related disorder. Also called: TOP1-related condition.

Allele frequency attached by ClinVar (database versions not stated): gnomAD 0.00003; TOPMed 0.00003; ExAC 0.00006; ESP Exome Variant Server 0.00008.
gnomAD v4.1: 29 of 1,571,722 alleles (0.0018%); highest among the groups gnomAD compares: South Asian, 0.007%; no homozygotes.

Submission:

PreventionGenetics, part of Exact Sciences
Classification: Likely benign for TOP1-related condition. Last evaluated: 2019-07-25. Review status: no assertion criteria provided. Collection method: clinical testing. Allele origin: germline.
Comment: This variant is classified as likely benign based on ACMG/AMP sequence variant interpretation guidelines (Richards et al. 2015 PMID: 25741868, with internal and published modifications).

NM_003286.4(TOP1):c.585G>A (p.Pro195=)

Gene: TOP1 (DNA topoisomerase I; plus strand). Cytogenetic location: 20q12.
Variant type: single nucleotide variant.
Coding change: c.585G>A on transcript NM_003286.4 (MANE Select); coding-DNA position 585, G replaced by A.
Protein change: p.Pro195=; no amino-acid change (proline 195 retained).
Molecular consequence: synonymous variant.
Genome position (GRCh38, 1-based): chr20:41,084,539, G>A. VCF-style: chr20-41084539-G-A. GRCh37 (hg19) VCF-style: chr20-39713179-G-A.
Identifiers: ClinVar variation 3035753 (VCV003035753.2), dbSNP rs368613261, ClinGen allele CA9858077.